The following is an entry in ClinVar:

ClinVar aggregate classification (germline): Pathogenic (1 of 4 stars; one submission).

Conditions:
Hereditary cancer-predisposing syndrome. Also called: Tumor predisposition; Hereditary Cancer Syndrome; Neoplastic Syndromes, Hereditary; Hereditary neoplastic syndrome. Identifiers: Orphanet 140162, MedGen C0027672, MeSH D009386, MONDO:0015356.

Submission:

Ambry Genetics
Classification: Pathogenic for Hereditary cancer-predisposing syndrome. Last evaluated: 2021-08-20. Review status: criteria provided, single submitter. Criteria: Ambry Variant Classification Scheme 2023. Collection method: clinical testing. Allele origin: germline.
Comment: The c.2770_2792del23 pathogenic mutation, located in coding exon 9 of the BRCA1 gene, results from a deletion of 23 nucleotides at nucleotide positions 2770 to 2792, causing a translational frameshift with a predicted alternate stop codon (p.N924Gfs*6). This alteration is expected to result in loss of function by premature protein truncation or nonsense-mediated mRNA decay. As such, this alteration is interpreted as a disease-causing mutation.

NM_007294.4(BRCA1):c.2770_2792del (p.Asn924fs)

Gene: BRCA1 (BRCA1 DNA repair associated; minus strand). Cytogenetic location: 17q21.31.
Variant type: Deletion.
Coding change: c.2770_2792del on transcript NM_007294.4 (MANE Select); coding-DNA positions 2770 to 2792, 23 bases deleted (AATATCACTGCAGGCTTTCCTGT).
Protein change: p.Asn924fs; shifts the reading frame from asparagine 924.
Molecular consequence: frameshift variant. On other transcripts: intron variant (137).
Genome position (GRCh38, 1-based): chr17:43,092,739-43,092,761, ACAGGAAAGCCTGCAGTGATATT deleted on the plus strand (AATATCACTGCAGGCTTTCCTGT on the coding strand, the reverse complement: BRCA1 is on the minus strand); deleting any 23 consecutive bases within chr17:43,092,739-43,092,762 gives the same sequence; the c. name uses the placement nearest the transcript's 3' end. VCF-style (leftmost placement, unchanged base first): chr17-43092738-CACAGGAAAGCCTGCAGTGATATT-C. GRCh37 (hg19) VCF-style: chr17-41244755-CACAGGAAAGCCTGCAGTGATATT-C.
Other names: c.2770_2792del23 (NM_007294.3); c.2770_2792del, p.Asn924fs (NM_001407597.1, NM_001407598.1, NM_001407602.1 and 30 more transcripts); c.2767_2789del, p.Asn923fs (NM_001407610.1, NM_001407611.1, NM_001407612.1 and 22 more transcripts); c.2761_2783del, p.Asn921fs (NM_001407646.1, NM_001407647.1); c.2647_2669del, p.Asn883fs (NM_001407648.1, NM_001407664.1, NM_001407665.1 and 19 more transcripts); c.2644_2666del, p.Asn882fs (NM_001407649.1, NM_001407670.1, NM_001407671.1 and 11 more transcripts); c.2692_2714del, p.Asn898fs (NM_001407653.1, NM_001407654.1, NM_001407655.1 and 4 more transcripts); c.2689_2711del, p.Asn897fs (NM_001407659.1, NM_001407660.1, NM_001407661.1 and 1 more transcripts); and 42 more; short protein forms N877fs, N924fs, N812fs, N813fs, N856fs, N857fs, N923fs, N628fs.
Identifiers: ClinVar variation 1795804 (VCV001795804.2), dbSNP rs2552183680, ClinGen allele CA2580093965.